The following is an entry in ClinVar:

ClinVar aggregate classification (germline): Uncertain significance (1 of 4 stars; one submission).

Conditions:
BBS4-related disorder. Also called: BBS4-related condition.

gnomAD v4.1: 22 of 1,613,914 alleles (0.0014%); highest among the groups gnomAD compares: African/African-American, 0.0053%; no homozygotes.

Submission:

PreventionGenetics, part of Exact Sciences
Classification: Uncertain significance for BBS4-related condition. Last evaluated: 2026-07-21. Review status: criteria provided, single submitter. Criteria: ACMG Guidelines, 2015. Collection method: clinical testing. Allele origin: germline.
Comment: The BBS4 c.717C>G variant is predicted to result in the amino acid substitution p.Ile239Met. To our knowledge, this variant has not been reported in the literature or in a large population database (gnomAD), indicating this variant is rare. At this time, the clinical significance of this variant is uncertain due to the absence of conclusive functional and genetic evidence.

NM_033028.5(BBS4):c.717C>G (p.Ile239Met)

Gene: BBS4 (Bardet-Biedl syndrome 4; plus strand). Cytogenetic location: 15q24.1.
Variant type: single nucleotide variant.
Coding change: c.717C>G on transcript NM_033028.5 (MANE Select); coding-DNA position 717, C replaced by G.
Protein change: p.Ile239Met; replaces isoleucine 239 with methionine.
Molecular consequence: missense variant. On other transcripts: non-coding transcript variant (2).
Genome position (GRCh38, 1-based): chr15:72,731,310, C>G. VCF-style: chr15-72731310-C-G. GRCh37 (hg19) VCF-style: chr15-73023651-C-G.
Other names: c.201C>G, p.Ile67Met (NM_001252678.2); c.648C>G, p.Ile216Met (NM_001320665.2); short protein forms I239M, I67M, I216M.
Identifiers: ClinVar variation 4978128 (VCV004978128.1).